The following is an entry in ClinVar:

NM_033380.3(COL4A5):c.4016G>A (p.Gly1339Asp)

Gene: COL4A5 (collagen type IV alpha 5 chain; plus strand). Cytogenetic location: Xq22.3.
Variant type: single nucleotide variant.
Coding change: c.4016G>A on transcript NM_033380.3 (MANE Select); coding-DNA position 4016, G replaced by A.
Protein change: p.Gly1339Asp; replaces glycine 1339 with aspartic acid.
Molecular consequence: missense variant.
Genome position (GRCh38, 1-based): chrX:108,680,885, G>A. VCF-style: chrX-108680885-G-A. GRCh37 (hg19) VCF-style: chrX-107924115-G-A.
Other names: c.3998G>A, p.Gly1333Asp (NM_000495.5); short protein forms G1333D, G1339D.
Identifiers: ClinVar variation 2028029 (VCV002028029.4), dbSNP rs1167920036, ClinGen allele CA413851091.
Genomic context (GRCh38, chrX:108,680,885, plus strand): 5'-ACTGGGTAAAGGTTGTAGCCCTGTTGCTTTGCCATAAAACTGTATGTACCTTCTGTGCAG[G>A]CATGAAAGGACCCAGTGGAGTACCTGGATCAGCTGGCCCTGAGGGGGAACCGGGACTTAT-3'
Protein context (NP_203699.1, residues 1329-1349): PGLPGVPGFP[Gly1339Asp]MKGPSGVPGS

ClinVar aggregate classification (germline): Likely pathogenic (1 of 4 stars; one submission).

Submission:

Labcorp Genetics (formerly Invitae), Labcorp
Classification: Likely pathogenic. Last evaluated: 2022-08-31. Review status: criteria provided, single submitter. Criteria: Invitae Variant Classification Sherloc (09022015). Collection method: clinical testing. Allele origin: germline.
Comment: In summary, the currently available evidence indicates that the variant is pathogenic, but additional data are needed to prove that conclusively. Therefore, this variant has been classified as Likely Pathogenic. This variant disrupts the triple helix domain of COL4A5. Glycine residues within the Gly-Xaa-Yaa repeats of the triple helix domain are required for the structure and stability of fibrillar collagens (PMID: 7695699, 8218237, 19344236). In COL4A5, missense variants at these glycine residues are significantly enriched in individuals with disease (PMID: 23720012, 27627812) compared to the general population (ExAC). Algorithms developed to predict the effect of missense changes on protein structure and function are either unavailable or do not agree on the potential impact of this missense change (SIFT: "Deleterious"; PolyPhen-2: "Probably Damaging"; Align-GVGD: "Class C0"). This variant has not been reported in the literature in individuals affected with COL4A5-related conditions. This variant is not present in population databases (gnomAD no frequency). This sequence change replaces glycine, which is neutral and non-polar, with aspartic acid, which is acidic and polar, at codon 1333 of the COL4A5 protein (p.Gly1333Asp).

Literature cited by the submitters: PubMed 7695699; PubMed 8218237; PubMed 19344236; PubMed 23720012; PubMed 27627812.